The following is an entry in ClinVar:

NM_001278716.2(FBXL4):c.1673G>A (p.Cys558Tyr)

Gene: FBXL4 (F-box and leucine rich repeat protein 4; minus strand). Cytogenetic location: 6q16.1.
Variant type: single nucleotide variant.
Coding change: c.1673G>A on transcript NM_001278716.2 (MANE Select); coding-DNA position 1673, G replaced by A.
Protein change: p.Cys558Tyr; replaces cysteine 558 with tyrosine.
Molecular consequence: missense variant. On other transcripts: non-coding transcript variant (1).
Genome position (GRCh38, 1-based): chr6:98,875,444, C>T on the plus strand (G>A on the coding strand, the complement: FBXL4 is on the minus strand). VCF-style: chr6-98875444-C-T. GRCh37 (hg19) VCF-style: chr6-99323320-C-T.
Other names: c.1673G>A, p.Cys558Tyr (NM_012160.5); short protein forms C558Y.
Identifiers: ClinVar variation 802252 (VCV000802252.6), dbSNP rs995995791, ClinGen allele CA143896347.
Genomic context (GRCh38, chr6:98,875,444, plus strand): 5'-TTTAAAACAAATTTATATATTGTAACCTTACCTAATATGTCCAGCTGCTGTAACCTGGTA[C>T]AATTACATGCCAATTCATCAATGTCTGTGTCACACACAGATCTATTAGCTGTAAGAAAGA-3'
Protein context (NP_001265645.1, residues 548-568): DTDIDELACN[Cys558Tyr]TRLQQLDILG

ClinVar aggregate classification (germline): Conflicting classifications of pathogenicity. Review status: criteria provided, conflicting classifications (1 of 4 stars). 3 submissions from 3 submitters: Likely pathogenic (1); Uncertain significance (2). Last evaluated 2024-10-21.

Conditions:
Mitochondrial DNA depletion syndrome 13. Also called: Mitochondrial DNA depletion syndrome 13 (encephalomyopathic type); FBXL4-Related Encephalomyopathic Mitochondrial DNA Depletion Syndrome. Identifiers: Orphanet 369897, MedGen C3809592, MONDO:0014198, OMIM 615471.

Allele frequency attached by ClinVar (database versions not stated): gnomAD exomes below 0.00001.
gnomAD v4.1: 1 of 1,614,048 alleles (0.000062%); highest among the groups gnomAD compares: Non-Finnish European, 0.000085%; no homozygotes.

Submissions (3):

Dasa
Classification: Uncertain significance. Last evaluated: 2024-10-21. Review status: criteria provided, single submitter. Criteria: DASA Assertion Criteria. Collection method: clinical testing. Allele origin: germline.
Comment: NM_001278716.2(FBXL4):c.1673G>A (p.Cys558Tyr) is a missense variant that results in the substitution of cysteine with tyrosine. This variant has been observed in affected individuals with FBXL4-related disorders. Also, this variant is rare in population databases. The currently available literature and clinical evidence are not sufficient to establish a definitive association between this variant and the reported condition. Therefore, this variant is classified as a variant of uncertain significance.

Labcorp Genetics (formerly Invitae), Labcorp
Classification: Uncertain significance. Last evaluated: 2024-04-16. Review status: criteria provided, single submitter. Criteria: Invitae Variant Classification Sherloc (09022015). Collection method: clinical testing. Allele origin: germline.
Comment: This sequence change replaces cysteine, which is neutral and slightly polar, with tyrosine, which is neutral and polar, at codon 558 of the FBXL4 protein (p.Cys558Tyr). This variant is not present in population databases (gnomAD no frequency). This variant has not been reported in the literature in individuals affected with FBXL4-related conditions. ClinVar contains an entry for this variant (Variation ID: 802252). Advanced modeling of protein sequence and biophysical properties (such as structural, functional, and spatial information, amino acid conservation, physicochemical variation, residue mobility, and thermodynamic stability) performed at Invitae indicates that this missense variant is expected to disrupt FBXL4 protein function with a positive predictive value of 80%. In summary, the available evidence is currently insufficient to determine the role of this variant in disease. Therefore, it has been classified as a Variant of Uncertain Significance.

Mendelics
Classification: Likely pathogenic for Mitochondrial DNA depletion syndrome 13. Last evaluated: 2019-05-28. Review status: criteria provided, single submitter. Criteria: Mendelics Assertion Criteria 2017. Collection method: clinical testing. Allele origin: unknown.